The following is an entry in ClinVar:

NM_001375567.1(FOCAD):c.3529G>A (p.Gly1177Arg)

Gene: FOCAD (focadhesin; plus strand). Cytogenetic location: 9p21.3.
Variant type: single nucleotide variant.
Coding change: c.3529G>A on transcript NM_001375567.1 (MANE Select); coding-DNA position 3529, G replaced by A.
Protein change: p.Gly1177Arg; replaces glycine 1177 with arginine.
Molecular consequence: missense variant.
Genome position (GRCh38, 1-based): chr9:20,944,748, G>A. VCF-style: chr9-20944748-G-A. GRCh37 (hg19) VCF-style: chr9-20944747-G-A.
Other names: c.3424G>A, p.Gly1142Arg (NM_001375568.1, NM_001375570.1); c.3529G>A, p.Gly1177Arg (NM_017794.5); short protein forms G1142R, G1177R.
Identifiers: ClinVar variation 2713245 (VCV002713245.3), dbSNP rs200704189, ClinGen allele CA5007585.

ClinVar aggregate classification (germline): Uncertain significance (1 of 4 stars; one submission).

Allele frequency attached by ClinVar (database versions not stated): ExAC 0.00012; TOPMed 0.00012; gnomAD 0.00013; ESP Exome Variant Server 0.00038.
gnomAD v4.1: 418 of 1,613,502 alleles (0.026%); highest among the groups gnomAD compares: Non-Finnish European, 0.034%; no homozygotes.

Submission:

Labcorp Genetics (formerly Invitae), Labcorp
Classification: Uncertain significance. Last evaluated: 2025-11-10. Review status: criteria provided, single submitter. Criteria: Invitae Variant Classification Sherloc (09022015). Collection method: clinical testing. Allele origin: germline.
Comment: This sequence change replaces glycine, which is neutral and non-polar, with arginine, which is basic and polar, at codon 1177 of the FOCAD protein (p.Gly1177Arg). This variant is present in population databases (rs200704189, gnomAD 0.02%). This variant has not been reported in the literature in individuals affected with FOCAD-related conditions. ClinVar contains an entry for this variant (Variation ID: 2713245). Experimental studies and prediction algorithms are not available or were not evaluated, and the functional significance of this variant is currently unknown. In summary, the available evidence is currently insufficient to determine the role of this variant in disease. Therefore, it has been classified as a Variant of Uncertain Significance.